The following is an entry in ClinVar:

NM_014846.4(WASHC5):c.2770G>A (p.Ala924Thr)

Genes: WASHC5 (WASH complex subunit 5; minus strand), WASHC5-AS1 (WASHC5 antisense RNA 1; plus strand). Cytogenetic location: 8q24.13.
Variant type: single nucleotide variant.
Coding change: c.2770G>A on transcript NM_014846.4 (MANE Select); coding-DNA position 2770, G replaced by A.
Protein change: p.Ala924Thr; replaces alanine 924 with threonine.
Molecular consequence: missense variant.
Genome position (GRCh38, 1-based): chr8:125,043,992, C>T on the plus strand (G>A on the coding strand, the complement: WASHC5 is on the minus strand). VCF-style: chr8-125043992-C-T. GRCh37 (hg19) VCF-style: chr8-126056234-C-T.
Other names: c.2326G>A, p.Ala776Thr (NM_001330609.2); short protein forms A776T, A924T.
Identifiers: ClinVar variation 3778768 (VCV003778768.2).

ClinVar aggregate classification (germline): Uncertain significance. Review status: criteria provided, multiple submitters, no conflicts (2 of 4 stars). 2 submissions from 2 submitters: Uncertain significance (2). Last evaluated 2024-06-07.

Conditions:
WASHC5-related disorder. Also called: WASHC5-related condition.

Submissions (2):

Blueprint Genetics
Classification: Uncertain significance. Last evaluated: 2024-06-07. Review status: criteria provided, single submitter. Criteria: ACMG Guidelines, 2015. Collection method: clinical testing. Allele origin: germline.

Daryl Scott Lab, Baylor College of Medicine
Classification: Uncertain significance for WASHC5-related disorder. Last evaluated: 2024-04-01. Review status: criteria provided, single submitter. Criteria: ACMG Guidelines, 2015. Collection method: clinical testing. Allele origin: unknown. Observed: 1 heterozygote.
Comment: PM2, PP3